The following is an entry in ClinVar:

ClinVar aggregate classification (germline): Uncertain significance (1 of 4 stars; one submission).

Allele frequency attached by ClinVar (database versions not stated): gnomAD exomes below 0.00001; gnomAD 0.00001; TOPMed 0.00002.
gnomAD v4.1: 5 of 1,608,196 alleles (0.00031%); highest among the groups gnomAD compares: Non-Finnish European, 0.00043%; no homozygotes.

Submission:

Labcorp Genetics (formerly Invitae), Labcorp
Classification: Uncertain significance. Last evaluated: 2025-11-01. Review status: criteria provided, single submitter. Criteria: Invitae Variant Classification Sherloc (09022015). Collection method: clinical testing. Allele origin: germline.
Comment: This sequence change falls in intron 8 of the NLRP1 gene. It does not directly change the encoded amino acid sequence of the NLRP1 protein. It affects a nucleotide within the consensus splice site. This variant is present in population databases (no rsID available, gnomAD 0.0009%). This variant has not been reported in the literature in individuals affected with NLRP1-related conditions. ClinVar contains an entry for this variant (Variation ID: 1516748). Variants that disrupt the consensus splice site are a relatively common cause of aberrant splicing (PMID: 17576681, 9536098). Algorithms developed to predict the effect of sequence changes on RNA splicing suggest that this variant is not likely to affect RNA splicing. In summary, the available evidence is currently insufficient to determine the role of this variant in disease. Therefore, it has been classified as a Variant of Uncertain Significance.

Literature cited by the submitters: PubMed 17576681; PubMed 9536098.

NM_033004.4(NLRP1):c.2960+5G>C

Gene: NLRP1 (NLR family pyrin domain containing 1; minus strand). Cytogenetic location: 17p13.2.
Variant type: single nucleotide variant.
Coding change: c.2960+5G>C on transcript NM_033004.4 (MANE Select); 5 bases into the intron after coding-DNA position 2960, G replaced by C.
Molecular consequence: intron variant.
Genome position (GRCh38, 1-based): chr17:5,536,846, C>G on the plus strand (G>C on the coding strand, the complement: NLRP1 is on the minus strand). VCF-style: chr17-5536846-C-G. GRCh37 (hg19) VCF-style: chr17-5440166-C-G.
Other names: c.2960+5G>C (NM_001033053.3, NM_014922.5); c.2870+2569G>C (NM_033007.4, NM_033006.4).
Identifiers: ClinVar variation 1516748 (VCV001516748.6), dbSNP rs1315602339, ClinGen allele CA624647739.